The following is an entry in ClinVar:

NM_004832.3(GSTO1):c.464_465+1del

Gene: GSTO1 (glutathione S-transferase omega 1; plus strand). Cytogenetic location: 10q25.1.
Variant type: Microsatellite.
Coding change: c.464_465+1del on transcript NM_004832.3 (MANE Select); coding-DNA position 464 through the canonical splice donor site of the intron after coding-DNA position 465, 3 bases deleted (AGG; older notation c.464_465+1delAGG).
Molecular consequence: splice donor variant. On other transcripts: intron variant (1).
Genome position (GRCh38, 1-based): chr10:104,263,076-104,263,078, AGG deleted; deleting any 3 consecutive bases within chr10:104,263,072-104,263,078 gives the same sequence; the c. name uses the placement nearest the transcript's 3' end. VCF-style (leftmost placement, unchanged base first): chr10-104263071-AGAG-A. GRCh37 (hg19) VCF-style: chr10-106022829-AGAG-A.
Other names: c.380_381+1del (NM_001191003.2); c.367-3008_367-3006del (NM_001191002.2).
Identifiers: ClinVar variation 3055930 (VCV003055930.2), dbSNP rs72323784, ClinGen allele CA5681588.

ClinVar aggregate classification (germline): Likely benign (0 of 4 stars; one submission).

Conditions:
GSTO1-related disorder. Also called: GSTO1-related condition.

Submission:

PreventionGenetics, part of Exact Sciences
Classification: Likely benign for GSTO1-related condition. Last evaluated: 2023-01-31. Review status: no assertion criteria provided. Collection method: clinical testing. Allele origin: germline.
Comment: This variant is classified as likely benign based on ACMG/AMP sequence variant interpretation guidelines (Richards et al. 2015 PMID: 25741868, with internal and published modifications).